The following is an entry in ClinVar:

NM_000179.3(MSH6):c.3794G>A (p.Gly1265Glu)

Gene: MSH6 (mutS homolog 6; plus strand). Cytogenetic location: 2p16.3.
Variant type: single nucleotide variant.
Coding change: c.3794G>A on transcript NM_000179.3 (MANE Select); coding-DNA position 3794, G replaced by A.
Protein change: p.Gly1265Glu; replaces glycine 1265 with glutamic acid.
Molecular consequence: missense variant. On other transcripts: non-coding transcript variant (5).
Genome position (GRCh38, 1-based): chr2:47,806,351, G>A. VCF-style: chr2-47806351-G-A. GRCh37 (hg19) VCF-style: chr2-48033490-G-A.
Other names: c.641G>A, p.Gly214Glu (NM_001406832.1); c.1739G>A, p.Gly580Glu (NM_001407362.1); c.2888G>A, p.Gly963Glu (NM_001406816.1, NM_001406823.1, NM_001406829.1 and 6 more transcripts); c.2228G>A, p.Gly743Glu (NM_001406817.1); c.3497G>A, p.Gly1166Glu (NM_001406818.1, NM_001406819.1, NM_001406820.1 and 10 more transcripts); c.3626G>A, p.Gly1209Glu (NM_001406826.1); c.575G>A, p.Gly192Glu (NM_001406831.1); c.3404G>A, p.Gly1135Glu (NM_001281492.2); and 7 more; short protein forms G1090E, G214E, G1207E, G1267E, G1209E, G743E, G1135E, G1166E.
Identifiers: ClinVar variation 4825252 (VCV004825252.1).
Genomic context (GRCh38, chr2:47,806,351, plus strand): 5'-TTTCAACTCACTACCATTCATTAGTAGAAGATTATTCTCAAAATGTTGCTGTGCGCCTAG[G>A]ACATATGGTATGTGCAAATTGTTTTTTTCCACAAATTCGGTTTTTTGAGAGGGCACTTCT-3'
Protein context (NP_000170.1, residues 1255-1275): DYSQNVAVRL[Gly1265Glu]HMACMVENEC

ClinVar aggregate classification (germline): Uncertain significance (1 of 4 stars; one submission).

Conditions:
Hereditary cancer-predisposing syndrome. Also called: Neoplastic Syndromes, Hereditary; Tumor predisposition; Hereditary Cancer Syndrome; Hereditary neoplastic syndrome. Identifiers: Orphanet 140162, MedGen C0027672, MeSH D009386, MONDO:0015356.

Submission:

Ambry Genetics
Classification: Uncertain significance for Hereditary cancer-predisposing syndrome. Last evaluated: 2026-01-15. Review status: criteria provided, single submitter. Criteria: Ambry Variant Classification Scheme 2023. Collection method: clinical testing. Allele origin: germline.
Comment: The p.G1265E variant (also known as c.3794G>A), located in coding exon 8 of the MSH6 gene, results from a G to A substitution at nucleotide position 3794. The glycine at codon 1265 is replaced by glutamic acid, an amino acid with similar properties. This amino acid position is conserved. In addition, this alteration is predicted to be deleterious by in silico analysis. Based on the available evidence, the clinical significance of this variant remains unclear.